The following is an entry in ClinVar:

ClinVar aggregate classification (germline): Uncertain significance (1 of 4 stars; one submission).

Allele frequency attached by ClinVar (database versions not stated): gnomAD exomes below 0.00001; ExAC 0.00001.
gnomAD v4.1: 2 of 1,614,244 alleles (0.00012%); highest among the groups gnomAD compares: South Asian, 0.0022%; no homozygotes.

Submission:

CeGaT Center for Human Genetics Tuebingen
Classification: Uncertain significance. Last evaluated: 2022-11-01. Review status: criteria provided, single submitter. Criteria: CeGaT Center For Human Genetics Tuebingen Variant Classification Criteria Version 2. Collection method: clinical testing. Allele origin: germline. Affected: yes. Observed: 1 variant allele.
Comment: ANK1: PM2:Supporting, BP4

NM_000037.4(ANK1):c.5167G>A (p.Glu1723Lys)

Gene: ANK1 (ankyrin 1; minus strand). Cytogenetic location: 8p11.21.
Variant type: single nucleotide variant.
Coding change: c.5167G>A on transcript NM_000037.4 (MANE Select); coding-DNA position 5167, G replaced by A.
Protein change: p.Glu1723Lys; replaces glutamic acid 1723 with lysine.
Molecular consequence: missense variant.
Genome position (GRCh38, 1-based): chr8:41,668,494, C>T on the plus strand (G>A on the coding strand, the complement: ANK1 is on the minus strand). VCF-style: chr8-41668494-C-T. GRCh37 (hg19) VCF-style: chr8-41526012-C-T.
Other names: c.5290G>A, p.Glu1764Lys (NM_001142446.2); c.5167G>A, p.Glu1723Lys (NM_020475.3, NM_020476.3); c.4681G>A, p.Glu1561Lys (NM_020477.3); short protein forms E1561K, E1723K, E1764K.
Identifiers: ClinVar variation 2658569 (VCV002658569.24), dbSNP rs756933506, ClinGen allele CA4727356.